The following is an entry in ClinVar:

ClinVar aggregate classification (somatic clinical impact): Tier II - Potential (1 of 4 stars; one submission).

Conditions:
Diffuse midline glioma, H3 K27M-mutant. Identifiers: MedGen C4289688, MONDO:0957196.

Submission:

Institute for Genomic Medicine (IGM) Clinical Laboratory, Nationwide Children's Hospital
Classification: Tier II - Potential for Diffuse midline glioma, H3 K27M-mutant. Assertion type: diagnostic. Clinical significance: supports diagnosis. Last evaluated: 2024-10-14. Review status: criteria provided, single submitter. Criteria: AMP/ASCO/CAP Guidelines, 2017. Collection method: clinical testing. Allele origin: somatic. Affected: yes.
Comment: Variant has Tier II (potential) clinical significance as a diagnostic inclusion criterion in diffuse midline glioma, H3 K27M-mutant, based on the following evidence: 1) Appears in one or more well-established professional guidelines (e.g., World Health Organization [WHO]; National Comprehensive Cancer Network [NCCN]) as providing diagnostic, prognostic, or therapeutic information. 2) Assists in diagnosis alone or along with other biomarkers based on small studies or few case reports (Evidence Level D).

NM_006206.6(PDGFRA):c.1708C>G (p.His570Asp)

Gene: PDGFRA (platelet derived growth factor receptor alpha; plus strand). Cytogenetic location: 4q12.
Variant type: single nucleotide variant.
Coding change: c.1708C>G on transcript NM_006206.6 (MANE Select); coding-DNA position 1708, C replaced by G.
Protein change: p.His570Asp; replaces histidine 570 with aspartic acid.
Molecular consequence: missense variant.
Genome position (GRCh38, 1-based): chr4:54,274,895, C>G. VCF-style: chr4-54274895-C-G. GRCh37 (hg19) VCF-style: chr4-55141062-C-G.
Other names: c.1708C>G, p.His570Asp (NM_001347829.2, NM_001347827.2); c.1747C>G, p.His583Asp (NM_001347830.2); c.1783C>G, p.His595Asp (NM_001347828.2); short protein forms H570D, H583D, H595D.
Identifiers: ClinVar variation 4530348 (VCV004530348.1).
Genomic context (GRCh38, chr4:54,274,895, plus strand): 5'-TTATAGAAACCGAGGTATGAAATTCGCTGGAGGGTCATTGAATCAATCAGCCCAGATGGA[C>G]ATGAATATATTTATGTGGACCCGATGCAGCTGCCTTATGACTCAAGATGGGAGTTTCCAA-3'
Protein context (NP_006197.1, residues 560-580): RVIESISPDG[His570Asp]EYIYVDPMQL